The following is an entry in ClinVar:

ClinVar aggregate classification (germline): Pathogenic (1 of 4 stars; one submission).

Conditions:
Microcephalic primordial dwarfism due to RTTN deficiency (MSSP). Also called: MICROCEPHALY, SHORT STATURE, AND POLYMICROGYRIA; Microcephaly, short stature, and polymicrogyria with or without seizures. Identifiers: Orphanet 468631, MedGen C3553831, MONDO:0018764, OMIM 614833.

Submission:

Women's Health and Genetics/Laboratory Corporation of America, LabCorp
Classification: Pathogenic for Microcephalic primordial dwarfism due to RTTN deficiency. Last evaluated: 2025-10-27. Review status: criteria provided, single submitter. Criteria: LabCorp Variant Classification Summary - May 2015. Collection method: clinical testing. Allele origin: germline.
Comment: Variant summary: The variant involves the deletion of exons 15-23 in the RTTN gene. A presumed nomenclature of c.(1929+1_1930-1)_(2954+1_2955-1)del has been designated for the purposes of this classification. This Copy Number Variant (CNV) is predicted to result in an in-frame deletion within this gene. Loss-of-function variants in this gene are known to be pathogenic. The variant was absent in 118722 control chromosomes in the gnomAD database (Structural Variants v4.1 dataset). To our knowledge, no occurrence of c.(1929+1_1930-1)_(2954+1_2955-1)del in individuals affected with RTTN-related conditions and no experimental evidence demonstrating its impact on protein function have been reported. No submitters have cited clinical-significance assessments for this variant to ClinVar. Based on the evidence outlined above, the variant was classified as pathogenic.

NC_000018.9:g.(67795783_67801708)_(67817970_67833297)del

Gene: RTTN (rotatin; minus strand). Cytogenetic location: 18q22.2.
Variant type: Deletion.
Identifiers: ClinVar variation 4687740 (VCV004687740.1).